The following is an entry in ClinVar:

ClinVar aggregate classification (germline): Uncertain significance. Review status: criteria provided, multiple submitters, no conflicts (2 of 4 stars). 2 submissions from 2 submitters: Uncertain significance (2). Last evaluated 2025-10-17.

Conditions:
Polycystic kidney disease 2 (PKD2). Also called: POLYCYSTIC KIDNEY DISEASE 2 WITH OR WITHOUT POLYCYSTIC LIVER DISEASE; Polycystic Kidney Disease 2, Autosomal Dominant; POLYCYSTIC KIDNEY DISEASE, ADULT, TYPE II. Identifiers: MedGen C2751306, MONDO:0013131, OMIM 613095.
Autosomal dominant polycystic kidney disease. Identifiers: Orphanet 730, MedGen C0085413, MONDO:0004691.

Allele frequency attached by ClinVar (database versions not stated): gnomAD 0.00001; gnomAD exomes 0.00003; TOPMed 0.00003; ExAC 0.00005.
gnomAD v4.1: 5 of 1,611,498 alleles (0.00031%); highest among the groups gnomAD compares: Admixed American, 0.0083%; no homozygotes.

Submissions (2):

Labcorp Genetics (formerly Invitae), Labcorp
Classification: Uncertain significance for Autosomal dominant polycystic kidney disease. Last evaluated: 2025-10-17. Review status: criteria provided, single submitter. Criteria: Invitae Variant Classification Sherloc (09022015). Collection method: clinical testing. Allele origin: germline.
Comment: This sequence change replaces threonine, which is neutral and polar, with serine, which is neutral and polar, at codon 721 of the PKD2 protein (p.Thr721Ser). This variant is present in population databases (rs751589219, gnomAD 0.02%). This variant has not been reported in the literature in individuals affected with PKD2-related conditions. ClinVar contains an entry for this variant (Variation ID: 646091). Invitae Evidence Modeling of protein sequence and biophysical properties (such as structural, functional, and spatial information, amino acid conservation, physicochemical variation, residue mobility, and thermodynamic stability) indicates that this missense variant is not expected to disrupt PKD2 protein function with a negative predictive value of 80%. In summary, the available evidence is currently insufficient to determine the role of this variant in disease. Therefore, it has been classified as a Variant of Uncertain Significance.

Fulgent Genetics
Classification: Uncertain significance for Polycystic kidney disease 2. Last evaluated: 2024-05-30. Review status: criteria provided, single submitter. Criteria: ACMG Guidelines, 2015. Collection method: clinical testing. Allele origin: germline.

NM_000297.4(PKD2):c.2162C>G (p.Thr721Ser)

Gene: PKD2 (polycystin 2, transient receptor potential cation channel; plus strand). Cytogenetic location: 4q22.1.
Variant type: single nucleotide variant.
Coding change: c.2162C>G on transcript NM_000297.4 (MANE Select); coding-DNA position 2162, C replaced by G.
Protein change: p.Thr721Ser; replaces threonine 721 with serine.
Molecular consequence: missense variant. On other transcripts: non-coding transcript variant (1).
Genome position (GRCh38, 1-based): chr4:88,065,417, C>G. VCF-style: chr4-88065417-C-G. GRCh37 (hg19) VCF-style: chr4-88986569-C-G.
Other names: short protein forms T721S.
Identifiers: ClinVar variation 646091 (VCV000646091.9), dbSNP rs751589219, ClinGen allele CA3004150.